The following is an entry in ClinVar:

ClinVar aggregate classification (germline): Uncertain significance (1 of 4 stars; one submission).

Allele frequency attached by ClinVar (database versions not stated): ExAC 0.00001; TOPMed 0.00002; gnomAD 0.00005.
gnomAD v4.1: 12 of 1,613,994 alleles (0.00074%); highest among the groups gnomAD compares: African/African-American, 0.013%; no homozygotes.

Submission:

Labcorp Genetics (formerly Invitae), Labcorp
Classification: Uncertain significance. Last evaluated: 2022-07-16. Review status: criteria provided, single submitter. Criteria: Invitae Variant Classification Sherloc (09022015). Collection method: clinical testing. Allele origin: germline.
Comment: This sequence change replaces phenylalanine, which is neutral and non-polar, with isoleucine, which is neutral and non-polar, at codon 822 of the TBCK protein (p.Phe822Ile). This variant is present in population databases (rs574279142, gnomAD 0.008%). This variant has not been reported in the literature in individuals affected with TBCK-related conditions. Algorithms developed to predict the effect of missense changes on protein structure and function (SIFT, PolyPhen-2, Align-GVGD) all suggest that this variant is likely to be tolerated. In summary, the available evidence is currently insufficient to determine the role of this variant in disease. Therefore, it has been classified as a Variant of Uncertain Significance.

NM_001163435.3(TBCK):c.2464T>A (p.Phe822Ile)

Gene: TBCK (TBC1 domain containing kinase; minus strand). Cytogenetic location: 4q24.
Variant type: single nucleotide variant.
Coding change: c.2464T>A on transcript NM_001163435.3 (MANE Select); coding-DNA position 2464, T replaced by A.
Protein change: p.Phe822Ile; replaces phenylalanine 822 with isoleucine.
Molecular consequence: missense variant.
Genome position (GRCh38, 1-based): chr4:106,095,589, A>T on the plus strand (T>A on the coding strand, the complement: TBCK is on the minus strand). VCF-style: chr4-106095589-A-T. GRCh37 (hg19) VCF-style: chr4-107016746-A-T.
Other names: c.2464T>A, p.Phe822Ile (NM_001163436.4); c.2347T>A, p.Phe783Ile (NM_001163437.3); c.1948T>A, p.Phe650Ile (NM_001290768.2); c.2275T>A, p.Phe759Ile (NM_033115.5); short protein forms F650I, F759I, F783I, F822I.
Identifiers: ClinVar variation 1962397 (VCV001962397.2), dbSNP rs574279142, ClinGen allele CA3034697.